The following is an entry in ClinVar:

NM_000465.4(BARD1):c.152C>T (p.Ser51Leu)

Gene: BARD1 (BRCA1 associated RING domain 1; minus strand). Cytogenetic location: 2q35.
Variant type: single nucleotide variant.
Coding change: c.152C>T on transcript NM_000465.4 (MANE Select); coding-DNA position 152, C replaced by T.
Protein change: p.Ser51Leu; replaces serine 51 with leucine.
Molecular consequence: missense variant. On other transcripts: non-coding transcript variant (3).
Genome position (GRCh38, 1-based): chr2:214,809,418, G>A on the plus strand (C>T on the coding strand, the complement: BARD1 is on the minus strand). VCF-style: chr2-214809418-G-A. GRCh37 (hg19) VCF-style: chr2-215674142-G-A.
Other names: c.152C>T, p.Ser51Leu (NM_001282543.2, NM_001282545.2, NM_001282548.2 and 1 more transcripts); short protein forms S51L.
Identifiers: ClinVar variation 185459 (VCV000185459.30), dbSNP rs766788652, ClinGen allele CA192018.

ClinVar aggregate classification (germline): Uncertain significance. Review status: criteria provided, multiple submitters, no conflicts (2 of 4 stars). 8 submissions from 8 submitters: Uncertain significance (8). Last evaluated 2025-12-21.

Conditions:
BARD1-related cancer predisposition. Identifiers: MedGen CN377756, MONDO:0700267.
Hereditary cancer-predisposing syndrome. Also called: Tumor predisposition; Neoplastic Syndromes, Hereditary; Hereditary neoplastic syndrome; Hereditary Cancer Syndrome. Identifiers: Orphanet 140162, MedGen C0027672, MeSH D009386, MONDO:0015356.
Familial cancer of breast. Also called: hereditary breast carcinoma; BREAST CANCER, FAMILIAL; Hereditary breast cancer. Identifiers: Orphanet 227535, MedGen C0346153, MONDO:0016419, OMIM 114480. Disease mechanism: loss of function.

Allele frequency attached by ClinVar (database versions not stated): ExAC 0.00001; gnomAD 0.00001; gnomAD exomes 0.00001; TOPMed 0.00001.
gnomAD v4.1: 11 of 1,612,268 alleles (0.00068%); highest among the groups gnomAD compares: Admixed American, 0.0033%; no homozygotes.

Submissions (8):

Labcorp Genetics (formerly Invitae), Labcorp
Classification: Uncertain significance for Familial cancer of breast. Last evaluated: 2025-12-21. Review status: criteria provided, single submitter. Criteria: Invitae Variant Classification Sherloc (09022015). Collection method: clinical testing. Allele origin: germline.
Comment: This sequence change replaces serine, which is neutral and polar, with leucine, which is neutral and non-polar, at codon 51 of the BARD1 protein (p.Ser51Leu). This variant is present in population databases (rs766788652, gnomAD 0.003%). This variant has not been reported in the literature in individuals affected with BARD1-related conditions. ClinVar contains an entry for this variant (Variation ID: 185459). An algorithm developed to predict the effect of missense changes on protein structure and function (PolyPhen-2) suggests that this variant is likely to be disruptive. In summary, the available evidence is currently insufficient to determine the role of this variant in disease. Therefore, it has been classified as a Variant of Uncertain Significance.

Dasa
Classification: Uncertain significance. Last evaluated: 2025-11-17. Review status: criteria provided, single submitter. Criteria: DASA Assertion Criteria. Collection method: clinical testing. Allele origin: germline.
Comment: NM_000465.4(BARD1):c.152C>T (p.Ser51Leu) is a missense variant that results in the substitution of serine with leucine. The variant is present at low frequency in population datasets. Based on the available data, this variant is classified as variant of uncertain significance.

Color Diagnostics, LLC DBA Color Health
Classification: Uncertain significance for Hereditary cancer-predisposing syndrome. Last evaluated: 2025-02-25. Review status: criteria provided, single submitter. Criteria: ACMG Guidelines, 2015. Collection method: clinical testing. Allele origin: germline.
Comment: This missense variant replaces serine with leucine at codon 51 of the BARD1 protein. Computational prediction is inconclusive regarding the impact of this variant on protein structure and function. A functional study has suggested that this variant may affect DNA damage response (PMID: 33606978). This variant has been reported in an individual affected with breast cancer (PMID: 33471991; Leiden Open Variation Database DB-ID BARD1_000482). This variant has been identified in 4/273836 chromosomes in the general population by the Genome Aggregation Database (gnomAD). The available evidence is insufficient to determine the role of this variant in disease conclusively. Therefore, this variant is classified as a Variant of Uncertain Significance.

Ambry Genetics
Classification: Uncertain significance for Hereditary cancer-predisposing syndrome. Last evaluated: 2025-01-20. Review status: criteria provided, single submitter. Criteria: Ambry Variant Classification Scheme 2023. Collection method: clinical testing. Allele origin: germline.
Comment: The p.S51L variant (also known as c.152C>T), located in coding exon 1 of the BARD1 gene, results from a C to T substitution at nucleotide position 152. The serine at codon 51 is replaced by leucine, an amino acid with dissimilar properties. This amino acid position is highly conserved in available vertebrate species. In addition, this alteration is predicted to be deleterious by in silico analysis. Since supporting evidence is limited at this time, the clinical significance of this alteration remains unclear.

Molecular Pathology, Peter Maccallum Cancer Centre
Classification: Uncertain significance for BARD1-related cancer predisposition. Last evaluated: 2024-07-22. Review status: criteria provided, single submitter. Criteria: ACMG Guidelines, 2015. Collection method: clinical testing. Allele origin: germline. Inheritance: Autosomal dominant inheritance.

Baylor Genetics
Classification: Uncertain significance for Familial cancer of breast. Last evaluated: 2024-02-07. Review status: criteria provided, single submitter. Criteria: ACMG Guidelines, 2015. Collection method: clinical testing. Allele origin: unknown.

GeneDx
Classification: Uncertain significance. Last evaluated: 2023-01-13. Review status: criteria provided, single submitter. Criteria: GeneDx Variant Classification Process June 2021. Collection method: clinical testing. Allele origin: germline. Affected: yes.
Comment: Not observed at significant frequency in large population cohorts (gnomAD); In silico analysis supports that this missense variant has a deleterious effect on protein structure/function; Published functional studies are inconclusive: base editing screens identified this variant as a VUS that exhibits likely pathogenic/pathogenic behavior (Cuella-Martin et al., 2021); This variant is associated with the following publications: (PMID: 18480049, 33606978)

Blueprint Genetics
Classification: Uncertain significance. Last evaluated: 2022-08-20. Review status: criteria provided, single submitter. Criteria: ACMG Guidelines, 2015. Collection method: clinical testing. Allele origin: germline.

Literature cited by the submitters: PubMed 33471991 (cited by Color Diagnostics, LLC DBA Color Health); PubMed 33606978 (cited by Color Diagnostics, LLC DBA Color Health).